The following is an entry in ClinVar:

NM_194248.3(OTOF):c.4454C>T (p.Pro1485Leu)

Gene: OTOF (otoferlin; minus strand). Cytogenetic location: 2p23.3.
Variant type: single nucleotide variant.
Coding change: c.4454C>T on transcript NM_194248.3 (MANE Select); coding-DNA position 4454, C replaced by T.
Protein change: p.Pro1485Leu; replaces proline 1485 with leucine.
Molecular consequence: missense variant.
Genome position (GRCh38, 1-based): chr2:26,466,760, G>A on the plus strand (C>T on the coding strand, the complement: OTOF is on the minus strand). VCF-style: chr2-26466760-G-A. GRCh37 (hg19) VCF-style: chr2-26689628-G-A.
Other names: c.4454C>T, p.Pro1485Leu (NM_001287489.2); c.2153C>T, p.Pro718Leu (NM_004802.4, NM_194323.3); c.2384C>T, p.Pro795Leu (NM_194322.3); short protein forms P1485L, P718L, P795L.
Identifiers: ClinVar variation 666896 (VCV000666896.8), dbSNP rs200699092, ClinGen allele CA1563162.
Genomic context (GRCh38, chr2:26,466,760, plus strand): 5'-GACGGGAGTCTCACCCGGACCACATAGACTCGGACCAGCACATTGATGGGGTCATTGCTC[G>A]GGATGCCCTGGAACATGCCGTAGGTGGAGTCGTAGCCGGCTTCCCGGGACACGTCCTCTG-3'
Protein context (NP_919224.1, residues 1475-1495): DSTYGMFQGI[Pro1485Leu]SNDPINVLVR

ClinVar aggregate classification (germline): Conflicting classifications of pathogenicity. Review status: criteria provided, conflicting classifications (1 of 4 stars). 2 submissions from 2 submitters: Uncertain significance (1); Likely benign (1). Last evaluated 2024-01-13.

Allele frequency attached by ClinVar (database versions not stated): TOPMed 0.00001; gnomAD exomes 0.00008 and 0.00023; gnomAD 0.00017 and 0.00018; ExAC 0.00026.
gnomAD v4.1: 147 of 1,614,110 alleles (0.0091%); highest among the groups gnomAD compares: South Asian, 0.0033%; no homozygotes.

Submissions (2):

Labcorp Genetics (formerly Invitae), Labcorp
Classification: Likely benign. Last evaluated: 2024-01-13. Review status: criteria provided, single submitter. Criteria: Invitae Variant Classification Sherloc (09022015). Collection method: clinical testing. Allele origin: germline.

Laboratory for Molecular Medicine, Mass General Brigham Personalized Medicine
Classification: Uncertain significance. Last evaluated: 2019-03-01. Review status: criteria provided, single submitter. Criteria: LMM Criteria. Collection method: clinical testing. Allele origin: germline. Observed: 1 variant allele.
Comment: Variant classified as Uncertain Significance - Favor Benign. The p.Pro1485Leu variant in OTOF has not been previously reported in individuals with hearing loss or auditory neuropathy spectrum disorders, but has been identified in 0.16% (41/25120) of Finnish chromosomes by gnomAD. Computational prediction tools and conservation analysis do not provide strong support for or against an impact to the protein. In summary, while the clinical significance of this variant is uncertain, its frequency suggests it is more likely to be benign. ACMG/AMP Criteria applied: BS1_Supporting.